The following is an entry in ClinVar:

ClinVar aggregate classification (germline): Uncertain significance (1 of 4 stars; one submission).

gnomAD v4.1: 1 of 1,614,052 alleles (0.000062%); highest among the groups gnomAD compares: Non-Finnish European, 0.000085%; no homozygotes.

Submission:

Labcorp Genetics (formerly Invitae), Labcorp
Classification: Uncertain significance. Last evaluated: 2024-10-22. Review status: criteria provided, single submitter. Criteria: Invitae Variant Classification Sherloc (09022015). Collection method: clinical testing. Allele origin: germline.
Comment: This sequence change replaces arginine, which is basic and polar, with glycine, which is neutral and non-polar, at codon 1700 of the MYH3 protein (p.Arg1700Gly). This variant is not present in population databases (gnomAD no frequency). This variant has not been reported in the literature in individuals affected with MYH3-related conditions. ClinVar contains an entry for this variant (Variation ID: 2074090). Invitae Evidence Modeling of protein sequence and biophysical properties (such as structural, functional, and spatial information, amino acid conservation, physicochemical variation, residue mobility, and thermodynamic stability) indicates that this missense variant is not expected to disrupt MYH3 protein function with a negative predictive value of 95%. In summary, the available evidence is currently insufficient to determine the role of this variant in disease. Therefore, it has been classified as a Variant of Uncertain Significance.

NM_002470.4(MYH3):c.5098C>G (p.Arg1700Gly)

Gene: MYH3 (myosin heavy chain 3; minus strand). Cytogenetic location: 17p13.1.
Variant type: single nucleotide variant.
Coding change: c.5098C>G on transcript NM_002470.4 (MANE Select); coding-DNA position 5098, C replaced by G.
Protein change: p.Arg1700Gly; replaces arginine 1700 with glycine.
Molecular consequence: missense variant.
Genome position (GRCh38, 1-based): chr17:10,631,875, G>C on the plus strand (C>G on the coding strand, the complement: MYH3 is on the minus strand). VCF-style: chr17-10631875-G-C. GRCh37 (hg19) VCF-style: chr17-10535192-G-C.
Other names: short protein forms R1700G.
Identifiers: ClinVar variation 2074090 (VCV002074090.4), dbSNP rs755136808, ClinGen allele CA398135176.